The following is an entry in ClinVar:

ClinVar aggregate classification (germline): Pathogenic/Likely pathogenic. Review status: criteria provided, multiple submitters, no conflicts (2 of 4 stars). 7 submissions from 7 submitters: Pathogenic (2); Likely pathogenic (4). 1 of the submissions does not count toward it. Last evaluated 2025-07-23.

Conditions:
Familial cancer of breast. Also called: Hereditary breast cancer; BREAST CANCER, FAMILIAL; hereditary breast carcinoma. Identifiers: Orphanet 227535, MedGen C0346153, MONDO:0016419, OMIM 114480. Disease mechanism: loss of function.
Hereditary cancer-predisposing syndrome. Also called: Hereditary neoplastic syndrome; Neoplastic Syndromes, Hereditary; Tumor predisposition; Hereditary Cancer Syndrome. Identifiers: Orphanet 140162, MedGen C0027672, MeSH D009386, MONDO:0015356.
CHEK2-related cancer predisposition (TPDS4). Also called: CHEK2-related cancer susceptibility; TUMOR PREDISPOSITION SYNDROME 4; CANCER PREDISPOSITION SYNDROME, CHEK2-RELATED. Identifiers: Orphanet 524, MedGen C5882668, MONDO:0700271, OMIM 609265.
Inherited breast cancer and ovarian cancer.

Submissions (7):

Labcorp Genetics (formerly Invitae), Labcorp
Classification: Pathogenic for Familial cancer of breast. Last evaluated: 2025-07-23. Review status: criteria provided, single submitter. Criteria: Invitae Variant Classification Sherloc (09022015). Collection method: clinical testing. Allele origin: germline.
Comment: This sequence change affects a donor splice site in intron 7 of the CHEK2 gene. It is expected to disrupt RNA splicing. Variants that disrupt the donor or acceptor splice site typically lead to a loss of protein function (PMID: 16199547), and loss-of-function variants in CHEK2 are known to be pathogenic (PMID: 21876083, 24713400). This variant is not present in population databases (gnomAD no frequency). Disruption of this splice site has been observed in individual(s) with breast cancer and/or colorectal cancer (PMID: 28944238, 30980208, 35886069; internal data). This variant is also known as c.975+1G>T. ClinVar contains an entry for this variant (Variation ID: 530044). Studies have shown that disruption of this splice site is associated with altered splicing resulting in multiple RNA products (internal data). For these reasons, this variant has been classified as Pathogenic.

Institute for Genomic Medicine (IGM) Clinical Laboratory, Nationwide Children's Hospital
Classification: Likely pathogenic for CHEK2-related cancer predisposition. Last evaluated: 2025-02-06. Review status: criteria provided, single submitter. Criteria: ACMG Guidelines, 2015. Collection method: clinical testing. Allele origin: germline.
Comment: This variant is predicted to result in loss of function through nonsense-mediated decay of the encoded transcript or premature truncation of the encoded protein in a gene in which loss of function is a known mechanism of disease (ACMG/AMP: PVS1_Strong; PMIDs:32761968, 37725924). This variant has been reported at an elevated frequency in affected individuals/in multiple affected individuals in the literature (ACMG/AMP: PS4_Supporting; PMID:32761968). This variant is absent from or present at an exceedingly low frequency in gnomAD, a large-scale control population database (ACMG/AMP: PM2).

Ambry Genetics
Classification: Likely pathogenic for Hereditary cancer-predisposing syndrome. Last evaluated: 2023-08-10. Review status: criteria provided, single submitter. Criteria: Ambry Variant Classification Scheme 2023. Collection method: clinical testing. Allele origin: germline.
Comment: The c.846+1G>T intronic variant results from a G to T substitution one nucleotide after coding exon 6 of the CHEK2 gene. This nucleotide position is highly conserved in available vertebrate species. This variant was reported in 3/60,466 breast cancer cases and in 0/53,461 controls (Dorling et al. N Engl J Med. 2021 02;384:428-439). This variant is considered to be rare based on population cohorts in the Genome Aggregation Database (gnomAD). In silico splice site analysis predicts that this alteration will weaken the native splice donor site. RNA studies have demonstrated that this alteration results in abnormal splicing in the set of samples tested (Ambry internal data). Alterations that disrupt the canonical splice site are expected to cause aberrant splicing, resulting in an abnormal protein or a transcript that is subject to nonsense-mediated mRNA decay. Based on the majority of available evidence to date, this variant is likely to be pathogenic.

Myriad Genetics, Inc.
Classification: Likely pathogenic for Familial cancer of breast. Last evaluated: 2023-06-27. Review status: criteria provided, single submitter. Criteria: Myriad Autosomal Dominant, Autosomal Recessive and X-Linked Classification Criteria (2023). Collection method: clinical testing. Allele origin: unknown.
Comment: This variant is considered likely pathogenic. This variant occurs within a consensus splice junction and is predicted to result in abnormal mRNA splicing of either an out-of-frame exon or an in-frame exon necessary for protein stability and/or normal function.

Baylor Genetics
Classification: Pathogenic for Familial cancer of breast. Last evaluated: 2022-11-06. Review status: criteria provided, single submitter. Criteria: ACMG Guidelines, 2015. Collection method: clinical testing. Allele origin: unknown.

Kong lab, Department of Laboratory Medicine, National Cancer Center
Classification: Likely pathogenic for CHEK2-related cancer predisposition. Last evaluated: 2020-08-01. Review status: criteria provided, single submitter. Criteria: ACMG Guidelines, 2015. Collection method: research. Allele origin: germline, not applicable. Inheritance: Autosomal dominant inheritance. Observed: 1 heterozygote.
Comment: RT-PCR and sequencing analyses revealed exon 7 skipping, leading to an in-frame deletion of 17 amino acids in the kinase domain of CHEK2 (Ryu et al., 2020; PMID: 32761968). This variant is not found in population databases such as ExAC and gnomAD. Given the loss of essential residues in the kinase domain, CHEK2 c.846+1G>T has been classified as likely pathogenic.

Cambridge Genomics Laboratory, East Genomic Laboratory Hub, NHS Genomic Medicine Service
Classification: Uncertain significance for Inherited breast cancer and ovarian cancer. Last evaluated: 2025-03-26. Review status: flagged submission. Criteria: ACGS Best Practice Guidelines for Variant Classification in Rare Disease 2020. Collection method: clinical testing. Allele origin: germline. Affected: yes. Not counted in ClinVar's aggregate classification.
Comment: PVS1_Moderate,PM2_Supporting
ClinVar note: Reason: Outlier claim with insufficient supporting evidence

Literature cited by the submitters: PubMed 16199547 (cited by Labcorp Genetics (formerly Invitae), Labcorp); PubMed 21876083 (cited by Labcorp Genetics (formerly Invitae), Labcorp); PubMed 24713400 (cited by Labcorp Genetics (formerly Invitae), Labcorp); PubMed 28944238 (cited by Labcorp Genetics (formerly Invitae), Labcorp); PubMed 30980208 (cited by Labcorp Genetics (formerly Invitae), Labcorp); PubMed 35886069 (cited by Labcorp Genetics (formerly Invitae), Labcorp); PubMed 32761968 (cited by Institute for Genomic Medicine (IGM) Clinical Laboratory, Nationwide Children's Hospital and Kong lab, Department of Laboratory Medicine, National Cancer Center); PubMed 37725924 (cited by Institute for Genomic Medicine (IGM) Clinical Laboratory, Nationwide Children's Hospital); PubMed 31050813 (cited by Ambry Genetics); PubMed 33471991 (cited by Ambry Genetics).

NM_007194.4(CHEK2):c.846+1G>T

Gene: CHEK2 (checkpoint kinase 2; minus strand). Cytogenetic location: 22q12.1.
Variant type: single nucleotide variant.
Coding change: c.846+1G>T on transcript NM_007194.4 (MANE Select); the canonical splice donor site of the intron after coding-DNA position 846, G replaced by T.
Molecular consequence: splice donor variant.
Genome position (GRCh38, 1-based): chr22:28,710,005, C>A on the plus strand (G>T on the coding strand, the complement: CHEK2 is on the minus strand). VCF-style: chr22-28710005-C-A. GRCh37 (hg19) VCF-style: chr22-29105993-C-A.
Other names: c.183+1G>T (NM_001437942.1, NM_001257387.3); c.645+1G>T (NM_001349956.3); c.846+1G>T (NM_145862.3); c.939+1G>T (NM_001438295.1, NM_001438293.1); c.975+1G>T (NM_001438294.1, NM_001005735.3).
Identifiers: ClinVar variation 530044 (VCV000530044.17), dbSNP rs864622149, ClinGen allele CA411102255.